The following is an entry in ClinVar:

ClinVar aggregate classification (germline): Pathogenic (1 of 4 stars; one submission).

Conditions:
Primary ciliary dyskinesia. Also called: Ciliary dyskinesia. Identifiers: Orphanet 244, MedGen C0008780, MONDO:0016575, HP:0012265.

Submission:

Labcorp Genetics (formerly Invitae), Labcorp
Classification: Pathogenic for Primary ciliary dyskinesia. Last evaluated: 2019-08-01. Review status: criteria provided, single submitter. Criteria: Invitae Variant Classification Sherloc (09022015). Collection method: clinical testing. Allele origin: germline.
Comment: For these reasons, this variant has been classified as Pathogenic. Loss-of-function variants in DNAH5 are known to be pathogenic (PMID: 11788826, 16627867). This variant has not been reported in the literature in individuals with DNAH5-related conditions. This variant is not present in population databases (ExAC no frequency). This sequence change creates a premature translational stop signal (p.Lys3676*) in the DNAH5 gene. It is expected to result in an absent or disrupted protein product.

Literature cited by the submitters: PubMed 11788826; PubMed 16627867.

NM_001369.3(DNAH5):c.11026A>T (p.Lys3676Ter)

Gene: DNAH5 (dynein axonemal heavy chain 5; minus strand). Cytogenetic location: 5p15.2.
Variant type: single nucleotide variant.
Coding change: c.11026A>T on transcript NM_001369.3 (MANE Select); coding-DNA position 11026, A replaced by T.
Protein change: p.Lys3676Ter; replaces lysine 3676 with a stop codon.
Molecular consequence: nonsense.
Genome position (GRCh38, 1-based): chr5:13,752,136, T>A on the plus strand (A>T on the coding strand, the complement: DNAH5 is on the minus strand). VCF-style: chr5-13752136-T-A. GRCh37 (hg19) VCF-style: chr5-13752245-T-A.
Other names: short protein forms K3676*.
Identifiers: ClinVar variation 940958 (VCV000940958.8), dbSNP rs1750322897, ClinGen allele CA359189625.